The following is an entry in ClinVar:

NM_024120.5(NDUFAF5):c.480-229C>G

Gene: NDUFAF5 (NADH:ubiquinone oxidoreductase complex assembly factor 5; plus strand). Cytogenetic location: 20p12.1.
Variant type: single nucleotide variant.
Coding change: c.480-229C>G on transcript NM_024120.5 (MANE Select); 229 bases into the intron before coding-DNA position 480, C replaced by G.
Molecular consequence: intron variant.
Genome position (GRCh38, 1-based): chr20:13,798,232, C>G. VCF-style: chr20-13798232-C-G. GRCh37 (hg19) VCF-style: chr20-13778878-C-G.
Other names: NC_000020.10:g.13778878C>G; c.-82-229C>G (NM_001352407.2, NM_001352406.2); c.396-229C>G (NM_001039375.3); c.9-229C>G (NM_001352403.2); c.480-229C>G (NM_001352408.2).
Identifiers: ClinVar variation 669468 (VCV000669468.2), dbSNP rs2254128, ClinGen allele CA15962536.

ClinVar aggregate classification (germline): Benign (1 of 4 stars; one submission).

Allele frequency attached by ClinVar (database versions not stated): TOPMed 0.39532; 1000 Genomes Project 30x 0.44878; 1000 Genomes Project 0.45208.
gnomAD v4.1: 61,264 of 151,992 alleles (40%); highest among the groups gnomAD compares: East Asian, 53%; 12,661 homozygotes.

Submissions (11):

GeneDx
Classification: Benign. Last evaluated: 2018-06-14. Review status: criteria provided, single submitter. Criteria: GeneDx Variant Classification (06012015). Collection method: clinical testing. Allele origin: germline. Affected: yes.
Comment: This variant is considered likely benign or benign based on one or more of the following criteria: it is a conservative change, it occurs at a poorly conserved position in the protein, it is predicted to be benign by multiple in silico algorithms, and/or has population frequency not consistent with disease.

Dr. Peter K. Rogan Lab, Western University
No classification provided (evidence only). Condition: Lung cancer. Review status: no classification provided. Collection method: in vitro. Allele origin: not applicable. Functional consequence: retained intron. Not counted in ClinVar's aggregate classification.

Dr. Peter K. Rogan Lab, Western University
No classification provided (evidence only). Condition: Lung cancer. Review status: no classification provided. Collection method: in vitro. Allele origin: not applicable. Functional consequence: retained intron. Not counted in ClinVar's aggregate classification.

Dr. Peter K. Rogan Lab, Western University
No classification provided (evidence only). Condition: Malignant lymphoma, large B-cell, diffuse. Review status: no classification provided. Collection method: in vitro. Allele origin: not applicable. Functional consequence: retained intron. Not counted in ClinVar's aggregate classification.

Dr. Peter K. Rogan Lab, Western University
No classification provided (evidence only). Condition: Malignant lymphoma, large B-cell, diffuse. Review status: no classification provided. Collection method: in vitro. Allele origin: not applicable. Functional consequence: retained intron. Not counted in ClinVar's aggregate classification.

Dr. Peter K. Rogan Lab, Western University
No classification provided (evidence only). Condition: Gastric cancer. Review status: no classification provided. Collection method: in vitro. Allele origin: not applicable. Functional consequence: retained intron. Not counted in ClinVar's aggregate classification.

Dr. Peter K. Rogan Lab, Western University
No classification provided (evidence only). Condition: Gastric cancer. Review status: no classification provided. Collection method: in vitro. Allele origin: not applicable. Functional consequence: retained intron. Not counted in ClinVar's aggregate classification.

Dr. Peter K. Rogan Lab, Western University
No classification provided (evidence only). Condition: Uterine carcinosarcoma. Review status: no classification provided. Collection method: in vitro. Allele origin: not applicable. Functional consequence: skipped exon. Not counted in ClinVar's aggregate classification.

Dr. Peter K. Rogan Lab, Western University
No classification provided (evidence only). Condition: Uterine carcinosarcoma. Review status: no classification provided. Collection method: in vitro. Allele origin: not applicable. Functional consequence: retained intron. Not counted in ClinVar's aggregate classification.

Dr. Peter K. Rogan Lab, Western University
No classification provided (evidence only). Condition: Uterine carcinosarcoma. Review status: no classification provided. Collection method: in vitro. Allele origin: not applicable. Functional consequence: retained intron. Not counted in ClinVar's aggregate classification.

Dr. Peter K. Rogan Lab, Western University
No classification provided (evidence only). Condition: Uterine carcinosarcoma. Review status: no classification provided. Collection method: in vitro. Allele origin: not applicable. Functional consequence: retained intron. Not counted in ClinVar's aggregate classification.